The following is an entry in ClinVar:

ClinVar aggregate classification (germline): Uncertain significance. Review status: criteria provided, multiple submitters, no conflicts (2 of 4 stars). 3 submissions from 3 submitters: Uncertain significance (3). Last evaluated 2025-08-03.

Conditions:
Familial hemophagocytic lymphohistiocytosis 5. Also called: STXBP2-Related Familial Hemophagocytic Lymphohistiocytosis (STXBP2-fHLH). Identifiers: Orphanet 540, MedGen C2751293, MONDO:0013135, OMIM 613101.
Inborn genetic diseases. Identifiers: MedGen C0950123, MeSH D030342.

Allele frequency attached by ClinVar (database versions not stated): ExAC below 0.00001; gnomAD exomes 0.00001; gnomAD 0.00003; TOPMed 0.00003.
gnomAD v4.1: 14 of 1,551,634 alleles (0.0009%); highest among the groups gnomAD compares: African/African-American, 0.0041%; no homozygotes.

Submissions (3):

Ambry Genetics
Classification: Uncertain significance for Inborn genetic diseases. Last evaluated: 2025-08-03. Review status: criteria provided, single submitter. Criteria: Ambry Variant Classification Scheme 2023. Collection method: clinical testing. Allele origin: germline.

Labcorp Genetics (formerly Invitae), Labcorp
Classification: Uncertain significance for Familial hemophagocytic lymphohistiocytosis 5. Last evaluated: 2022-09-01. Review status: criteria provided, single submitter. Criteria: Invitae Variant Classification Sherloc (09022015). Collection method: clinical testing. Allele origin: germline.
Comment: This sequence change replaces threonine, which is neutral and polar, with methionine, which is neutral and non-polar, at codon 178 of the STXBP2 protein (p.Thr178Met). The frequency data for this variant in the population databases is considered unreliable, as metrics indicate poor data quality at this position in the gnomAD database. This variant has not been reported in the literature in individuals affected with STXBP2-related conditions. ClinVar contains an entry for this variant (Variation ID: 968511). Algorithms developed to predict the effect of missense changes on protein structure and function are either unavailable or do not agree on the potential impact of this missense change (SIFT: "Deleterious"; PolyPhen-2: "Probably Damaging"; Align-GVGD: "Class C0"). In summary, the available evidence is currently insufficient to determine the role of this variant in disease. Therefore, it has been classified as a Variant of Uncertain Significance.

Baylor Genetics
Classification: Uncertain significance for Familial hemophagocytic lymphohistiocytosis 5. Last evaluated: 2020-08-03. Review status: criteria provided, single submitter. Criteria: ACMG Guidelines, 2015. Collection method: clinical testing. Allele origin: unknown. Affected: yes.
Comment: This variant was determined to be of uncertain significance according to ACMG Guidelines, 2015 [PMID:25741868].

NM_006949.4(STXBP2):c.533C>T (p.Thr178Met)

Gene: STXBP2 (syntaxin binding protein 2; plus strand). Cytogenetic location: 19p13.2.
Variant type: single nucleotide variant.
Coding change: c.533C>T on transcript NM_006949.4 (MANE Select); coding-DNA position 533, C replaced by T.
Protein change: p.Thr178Met; replaces threonine 178 with methionine.
Molecular consequence: missense variant. On other transcripts: non-coding transcript variant (1).
Genome position (GRCh38, 1-based): chr19:7,641,808, C>T. VCF-style: chr19-7641808-C-T. GRCh37 (hg19) VCF-style: chr19-7706694-C-T.
Other names: c.524C>T, p.Thr175Met (NM_001127396.3); c.566C>T, p.Thr189Met (NM_001272034.2); c.533C>T (NM_006949.2); short protein forms T189M, T175M, T178M.
Identifiers: ClinVar variation 968511 (VCV000968511.8), dbSNP rs762234445, ClinGen allele CA9143680.
Genomic context (GRCh38, chr19:7,641,808, plus strand): 5'-GCCCCTTCCGGGCAGAGGAGCGCACGCGGCAGCTCGAGGTGCTGGCCCAGCAGATTGCCA[C>T]GCTGTGCGCCACCCTGCAGGAGTACCCGGCCATCCGCTACCGCAAGTGGGGACCCCACCC-3'
Protein context (NP_008880.2, residues 168-188): QLEVLAQQIA[Thr178Met]LCATLQEYPA